The following is an entry in ClinVar:

ClinVar aggregate classification (germline): Uncertain significance (1 of 4 stars; one submission).

Conditions:
Amyotrophic lateral sclerosis type 10 (ALS10). Also called: Amyotrophic lateral sclerosis 10, with or without FTD; AMYOTROPHIC LATERAL SCLEROSIS 10 WITHOUT FRONTOTEMPORAL DEMENTIA AND WITH TDP43 INCLUSIONS; AMYOTROPHIC LATERAL SCLEROSIS 10 WITH OR WITHOUT FRONTOTEMPORAL DEMENTIA AND WITH TDP43 INCLUSIONS; AMYOTROPHIC LATERAL SCLEROSIS 10 WITH OR WITHOUT FRONTOTEMPORAL DEMENTIA; TARDBP-Related Amyotrophic Lateral Sclerosis-Frontotemporal Dementia. Identifiers: Orphanet 275872, Orphanet 803, MedGen C2677565, MONDO:0012790, OMIM 612069.
FRONTOTEMPORAL LOBAR DEGENERATION WITH TDP43 INCLUSIONS, TARDBP-RELATED. Also called: Frontotemporal lobar degeneration, TARDBP-related. Identifiers: MedGen C3150169, OMIM 612069.

Allele frequency attached by ClinVar (database versions not stated): ExAC 0.00001.

Submission:

Labcorp Genetics (formerly Invitae), Labcorp
Classification: Uncertain significance for Amyotrophic lateral sclerosis type 10; FRONTOTEMPORAL LOBAR DEGENERATION WITH TDP43 INCLUSIONS, TARDBP-RELATED. Last evaluated: 2023-09-12. Review status: criteria provided, single submitter. Criteria: Invitae Variant Classification Sherloc (09022015). Collection method: clinical testing. Allele origin: germline.
Comment: This sequence change replaces threonine, which is neutral and polar, with isoleucine, which is neutral and non-polar, at codon 32 of the TARDBP protein (p.Thr32Ile). This variant is present in population databases (rs752580444, gnomAD 0.0009%). In summary, the available evidence is currently insufficient to determine the role of this variant in disease. Therefore, it has been classified as a Variant of Uncertain Significance. An algorithm developed to predict the effect of missense changes on protein structure and function (PolyPhen-2) suggests that this variant is likely to be tolerated. This variant has not been reported in the literature in individuals affected with TARDBP-related conditions.

NM_007375.4(TARDBP):c.95C>T (p.Thr32Ile)

Gene: TARDBP (TAR DNA binding protein; plus strand). Cytogenetic location: 1p36.22.
Variant type: single nucleotide variant.
Coding change: c.95C>T on transcript NM_007375.4 (MANE Select); coding-DNA position 95, C replaced by T.
Protein change: p.Thr32Ile; replaces threonine 32 with isoleucine.
Molecular consequence: missense variant.
Genome position (GRCh38, 1-based): chr1:11,013,822, C>T. VCF-style: chr1-11013822-C-T. GRCh37 (hg19) VCF-style: chr1-11073879-C-T.
Other names: short protein forms T32I.
Identifiers: ClinVar variation 2951868 (VCV002951868.3), dbSNP rs752580444, ClinGen allele CA586309.